The following is an entry in ClinVar:

ClinVar aggregate classification (germline): Pathogenic (1 of 4 stars; one submission).

Conditions:
Neurofibromatosis, type 1 (NF1). Also called: Peripheral type neurofibromatosis; VON RECKLINGHAUSEN DISEASE; NEUROFIBROMATOSIS, TYPE I, SOMATIC; Neurofibromatosis, type I. Identifiers: Orphanet 636, MedGen C0027831, MONDO:0018975, OMIM 162200. Disease mechanism: loss of function.

Submission:

Labcorp Genetics (formerly Invitae), Labcorp
Classification: Pathogenic for Neurofibromatosis, type 1. Last evaluated: 2024-06-10. Review status: criteria provided, single submitter. Criteria: Invitae Variant Classification Sherloc (09022015). Collection method: clinical testing. Allele origin: germline.
Comment: This sequence change creates a premature translational stop signal (p.Pro2046Leufs*3) in the NF1 gene. It is expected to result in an absent or disrupted protein product. Loss-of-function variants in NF1 are known to be pathogenic (PMID: 10712197, 23913538). This variant is not present in population databases (gnomAD no frequency). This variant has not been reported in the literature in individuals affected with NF1-related conditions. Algorithms developed to predict the effect of sequence changes on RNA splicing suggest that this variant may disrupt the consensus splice site. For these reasons, this variant has been classified as Pathogenic.

Literature cited by the submitters: PubMed 10712197; PubMed 23913538.

NM_001042492.3(NF1):c.6200del (p.Pro2067fs)

Gene: NF1 (neurofibromin 1; plus strand). Cytogenetic location: 17q11.2.
Variant type: Deletion.
Coding change: c.6200del on transcript NM_001042492.3 (MANE Select); coding-DNA position 6200, one base deleted (C; older notation c.6200delC).
Protein change: p.Pro2067fs; shifts the reading frame from proline 2067.
Molecular consequence: frameshift variant.
Genome position (GRCh38, 1-based): chr17:31,336,687, C deleted; the last of 2 consecutive C bases (chr17:31,336,686-31,336,687); deleting either gives the same sequence. VCF-style (leftmost placement, unchanged base first): chr17-31336685-TC-T. GRCh37 (hg19) VCF-style: chr17-29663703-TC-T.
Other names: c.6137delC, p.Pro2046Leufs (NM_000267.4); short protein forms P2046fs, P2067fs.
Identifiers: ClinVar variation 3654796 (VCV003654796.2).